The following is an entry in ClinVar:

ClinVar aggregate classification (germline): Uncertain significance. Review status: criteria provided, multiple submitters, no conflicts (2 of 4 stars). 2 submissions from 2 submitters: Uncertain significance (2). Last evaluated 2026-02-28.

Conditions:
Inborn genetic diseases. Identifiers: MedGen C0950123, MeSH D030342.

Allele frequency attached by ClinVar (database versions not stated): ExAC 0.00004.
gnomAD v4.1: 33 of 1,612,436 alleles (0.002%); highest among the groups gnomAD compares: African/African-American, 0.029%; no homozygotes.

Submissions (2):

Ambry Genetics
Classification: Uncertain significance for Inborn genetic diseases. Last evaluated: 2026-02-28. Review status: criteria provided, single submitter. Criteria: Ambry Variant Classification Scheme 2023. Collection method: clinical testing. Allele origin: germline.

Labcorp Genetics (formerly Invitae), Labcorp
Classification: Uncertain significance. Last evaluated: 2024-10-03. Review status: criteria provided, single submitter. Criteria: Invitae Variant Classification Sherloc (09022015). Collection method: clinical testing. Allele origin: germline.
Comment: This sequence change replaces glycine, which is neutral and non-polar, with alanine, which is neutral and non-polar, at codon 601 of the COL8A2 protein (p.Gly601Ala). This variant is present in population databases (rs780560468, gnomAD 0.01%). This variant has not been reported in the literature in individuals affected with COL8A2-related conditions. An algorithm developed to predict the effect of missense changes on protein structure and function (PolyPhen-2) suggests that this variant is likely to be disruptive. Algorithms developed to predict the effect of sequence changes on RNA splicing suggest that this variant may create or strengthen a splice site. In summary, the available evidence is currently insufficient to determine the role of this variant in disease. Therefore, it has been classified as a Variant of Uncertain Significance.

NM_005202.4(COL8A2):c.1802G>C (p.Gly601Ala)

Gene: COL8A2 (collagen type VIII alpha 2 chain; minus strand). Cytogenetic location: 1p34.3.
Variant type: single nucleotide variant.
Coding change: c.1802G>C on transcript NM_005202.4 (MANE Select); coding-DNA position 1802, G replaced by C.
Protein change: p.Gly601Ala; replaces glycine 601 with alanine.
Molecular consequence: missense variant.
Genome position (GRCh38, 1-based): chr1:36,097,879, C>G on the plus strand (G>C on the coding strand, the complement: COL8A2 is on the minus strand). VCF-style: chr1-36097879-C-G. GRCh37 (hg19) VCF-style: chr1-36563480-C-G.
Other names: c.1607G>C, p.Gly536Ala (NM_001294347.2); c.1802G>C (NM_005202.2); short protein forms G536A, G601A.
Identifiers: ClinVar variation 2888150 (VCV002888150.5), dbSNP rs780560468, ClinGen allele CA764868.
Genomic context (GRCh38, chr1:36,097,879, plus strand): 5'-TAGTAGACGCCGCCCACAGGGCAGGTGAAGATGCCAGTGGCTGGGTTGTAGCCGCTGTGG[C>G]CATTGTAGAGAGTCCGGTCAAATTTCACGGGCATGCCCGAGGCGGGGAAGGGCGAGGTGA-3'
Protein context (NP_005193.1, residues 591-611): PVKFDRTLYN[Gly601Ala]HSGYNPATGI